The following is an entry in ClinVar:

ClinVar aggregate classification (germline): Pathogenic. Review status: criteria provided, multiple submitters, no conflicts (2 of 4 stars). 12 submissions from 11 submitters: Pathogenic (11). 1 of the submissions does not count toward it. Last evaluated 2025-11-11.

Conditions:
USH2A-related disorder. Also called: USH2A-related condition; USH2A-related disorders. Identifiers: MedGen CN239332.
Usher syndrome. Also called: Usher's syndrome; Usher Syndromes. Identifiers: Orphanet 886, MedGen CN469326, MeSH D052245, MONDO:0019501. Disease mechanism: loss of function.
Usher syndrome type 2A. Also called: RETINAL DISEASE IN USHER SYNDROME TYPE IIA, MODIFIER OF; USHER SYNDROME, TYPE IIA. Identifiers: Orphanet 231178, Orphanet 886, MedGen C1848634, MONDO:0010169, OMIM 276901.
Retinitis pigmentosa 39 (RP39). Identifiers: Orphanet 791, MedGen C3151138, MONDO:0013436, OMIM 613809.

Submissions (12):

3billion
Classification: Pathogenic for Usher syndrome type 2A. Last evaluated: 2025-11-11. Review status: criteria provided, single submitter. Criteria: ACMG Guidelines, 2015. Collection method: clinical testing. Allele origin: germline. Affected: yes.
Comment: The variant is observed at an extremely low frequency in the gnomAD v4.1.0 dataset (total allele frequency: 0.005%). Predicted Consequence/Location: Frameshift: predicted to result in a loss or disruption of normal protein function through nonsense-mediated decay (NMD) or protein truncation. Multiple pathogenic variants are reported downstream of the variant. The variant has been reported at least twice as pathogenic with clinical assertions and evidence for the classification (ClinVar ID: VCV000286104 /PMID: 10729113). Therefore, this variant is classified as Pathogenic according to the recommendation of ACMG/AMP guideline.

Labcorp Genetics (formerly Invitae), Labcorp
Classification: Pathogenic. Last evaluated: 2025-10-18. Review status: criteria provided, single submitter. Criteria: Invitae Variant Classification Sherloc (09022015). Collection method: clinical testing. Allele origin: germline.
Comment: This sequence change creates a premature translational stop signal (p.Pro560Leufs*31) in the USH2A gene. It is expected to result in an absent or disrupted protein product. Loss-of-function variants in USH2A are known to be pathogenic (PMID: 10729113, 10909849, 20507924, 25649381). This variant is present in population databases (rs773539640, gnomAD 0.01%). This premature translational stop signal has been observed in individuals with Usher syndrome 2A (PMID: 10729113, 15325563, 15671307, 22135276, 25649381). ClinVar contains an entry for this variant (Variation ID: 286104). For these reasons, this variant has been classified as Pathogenic.

Natera, Inc.
Classification: Pathogenic for Usher syndrome type 2A. Last evaluated: 2024-09-30. Review status: criteria provided, single submitter. Criteria: Natera Variant Classification Schema (03/2026). Collection method: clinical testing. Allele origin: germline.
Comment: The c.1679delC variant in USH2A is a frameshift variant predicted to shift the reading frame beginning at codon 560 and leads to a stop codon 31 codons downstream. This variant is expected to result in nonsense mediated decay, truncation, or a dysfunctional protein product. This variant is rare in the general population with a frequency below the threshold expected for the associated phenotype(s). This variant has been observed in one or more individuals affected with the associated recessive disease, as either homozygous or compound heterozygous with a second variant (PMID: 10729113, 25649381). Given the available evidence, this variant is classified as Pathogenic.

Women's Health and Genetics/Laboratory Corporation of America, LabCorp
Classification: Pathogenic for Usher syndrome. Last evaluated: 2024-09-10. Review status: criteria provided, single submitter. Criteria: LabCorp Variant Classification Summary - May 2015. Collection method: clinical testing. Allele origin: germline.
Comment: Variant summary: USH2A c.1679delC (p.Pro560LeufsX31) results in a premature termination codon, predicted to cause a truncation of the encoded protein or absence of the protein due to nonsense mediated decay, which are commonly known mechanisms for disease. The variant allele was found at a frequency of 2.4e-05 in 251252 control chromosomes. c.1679delC has been reported in the literature in at-least one individual affected with Usher Syndrome (example: Wafa_2021). The following publication has been ascertained in the context of this evaluation (PMID: 33089500). ClinVar contains an entry for this variant (Variation ID: 286104). Based on the evidence outlined above, the variant was classified as pathogenic.

Blueprint Genetics
Classification: Pathogenic for USH2A-related disorders. Last evaluated: 2024-06-05. Review status: criteria provided, single submitter. Criteria: ACMG Guidelines, 2015. Collection method: clinical testing. Allele origin: germline. Affected: yes. Observed: 5 variant alleles.

Baylor Genetics
Classification: Pathogenic for Retinitis pigmentosa 39. Last evaluated: 2024-02-28. Review status: criteria provided, single submitter. Criteria: ACMG Guidelines, 2015. Collection method: clinical testing. Allele origin: unknown.

Genome-Nilou Lab
Classification: Pathogenic for Retinitis pigmentosa 39. Last evaluated: 2023-11-04. Review status: criteria provided, single submitter. Criteria: ACMG Guidelines, 2015. Collection method: clinical testing. Allele origin: germline. Affected: no.

Genome-Nilou Lab
Classification: Pathogenic for Usher syndrome type 2A. Last evaluated: 2023-11-04. Review status: criteria provided, single submitter. Criteria: ACMG Guidelines, 2015. Collection method: clinical testing. Allele origin: germline. Affected: no.

Fulgent Genetics
Classification: Pathogenic for Usher syndrome type 2A; Retinitis pigmentosa 39. Last evaluated: 2021-10-12. Review status: criteria provided, single submitter. Criteria: ACMG Guidelines, 2015. Collection method: clinical testing. Allele origin: unknown.

Eurofins Ntd Llc (ga)
Classification: Pathogenic. Last evaluated: 2016-02-17. Review status: criteria provided, single submitter. Criteria: EGL Classification Definitions 2015. Collection method: clinical testing. Allele origin: germline. Observed: 1 variant allele, 1 heterozygote.

GeneDx
Classification: Pathogenic. Last evaluated: 2015-04-23. Review status: criteria provided, single submitter. Criteria: GeneDx Variant Classification (06012015). Collection method: clinical testing. Allele origin: germline. Affected: yes.
Comment: The c.1679delC variant in the USH2A gene has been reported in association with Usher syndrome type 2A (Weston et al., 2000). The deletion causes a frameshift starting with codon Proline 560, changes this amino acid to a Leucine residue and creates a premature Stop codon at position 31 of the new reading frame, denoted p.Pro560LeufsX31. The c.1679delC variant is predicted to cause loss of normal protein function either through protein truncation or nonsense-mediated mRNA decay. Therefore, we interpret this variant as pathogenic.

Counsyl
Classification: Pathogenic for Retinitis pigmentosa 39. Last evaluated: 2017-08-18. Review status: no assertion criteria provided. Collection method: clinical testing. Allele origin: unknown. Not counted in ClinVar's aggregate classification.

Literature cited by the submitters: PubMed 10729113 (cited by 4 submitters); PubMed 10909849 (cited by Labcorp Genetics (formerly Invitae), Labcorp); PubMed 20507924 (cited by Labcorp Genetics (formerly Invitae), Labcorp); PubMed 25649381 (cited by 3 submitters); PubMed 15325563 (cited by Labcorp Genetics (formerly Invitae), Labcorp and Counsyl); PubMed 15671307 (cited by Labcorp Genetics (formerly Invitae), Labcorp and Counsyl); PubMed 22135276 (cited by Labcorp Genetics (formerly Invitae), Labcorp and Counsyl); PubMed 33089500 (cited by Women's Health and Genetics/Laboratory Corporation of America, LabCorp); PubMed 16963483 (cited by Counsyl).

NM_206933.4(USH2A):c.1679del (p.Pro560fs)

Gene: USH2A (usherin; minus strand). Cytogenetic location: 1q41.
Variant type: Deletion.
Coding change: c.1679del on transcript NM_206933.4 (MANE Select); coding-DNA position 1679, one base deleted (C; older notation c.1679delC).
Protein change: p.Pro560fs; shifts the reading frame from proline 560.
Molecular consequence: frameshift variant.
Genome position (GRCh38, 1-based): chr1:216,292,336, G deleted on the plus strand (C on the coding strand, the reverse complement: USH2A is on the minus strand); the first of 2 consecutive G bases (chr1:216,292,336-216,292,337); deleting either gives the same sequence. VCF-style (leftmost placement, unchanged base first): chr1-216292335-AG-A. GRCh37 (hg19) VCF-style: chr1-216465677-AG-A.
Other names: c.1679del (NM_206933.2); c.1679del, p.Pro560fs (NM_007123.6); c.1679delC (NM_206933.4); short protein forms P560fs.
Identifiers: ClinVar variation 286104 (VCV000286104.24), dbSNP rs773539640, ClinGen allele CA1396426.